The following is an entry in ClinVar:

NM_003924.4(PHOX2B):c.689G>C (p.Gly230Ala)

Gene: PHOX2B (paired like homeobox 2B; minus strand). Cytogenetic location: 4p13.
Variant type: single nucleotide variant.
Coding change: c.689G>C on transcript NM_003924.4 (MANE Select); coding-DNA position 689, G replaced by C.
Protein change: p.Gly230Ala; replaces glycine 230 with alanine.
Molecular consequence: missense variant.
Genome position (GRCh38, 1-based): chr4:41,746,063, C>G on the plus strand (G>C on the coding strand, the complement: PHOX2B is on the minus strand). VCF-style: chr4-41746063-C-G. GRCh37 (hg19) VCF-style: chr4-41748080-C-G.
Other names: short protein forms G230A.
Identifiers: ClinVar variation 1019075 (VCV001019075.11), dbSNP rs1577559086, ClinGen allele CA356737383.
Genomic context (GRCh38, chr4:41,746,063, plus strand): 5'-GCTGCCGCGGCCGCCGCCGCTGCTGCTGCGCCGCCCTTGCCGGGTTCGCCTCCCGGGCCC[C>G]CGGGCCCCGCCGCCCCCGGAGCTCCAGCCGGGCTGGGCCCGCCGCCGCCGCCTCCATTCG-3'
Protein context (NP_003915.2, residues 220-240): PAGAPGAAGP[Gly230Ala]GPGGEPGKGG

ClinVar aggregate classification (germline): Uncertain significance. Review status: criteria provided, multiple submitters, no conflicts (2 of 4 stars). 2 submissions from 2 submitters: Uncertain significance (2). Last evaluated 2025-09-29.

Conditions:
Hereditary cancer-predisposing syndrome. Also called: Tumor predisposition; Neoplastic Syndromes, Hereditary; Hereditary neoplastic syndrome; Hereditary Cancer Syndrome. Identifiers: Orphanet 140162, MedGen C0027672, MeSH D009386, MONDO:0015356.
Haddad syndrome (OHD). Also called: Ondine-Hirschsprung disease. Identifiers: Orphanet 99803, MedGen C1859049, MONDO:0020493.

Submissions (2):

Ambry Genetics
Classification: Uncertain significance for Hereditary cancer-predisposing syndrome. Last evaluated: 2025-09-29. Review status: criteria provided, single submitter. Criteria: Ambry Variant Classification Scheme 2023. Collection method: clinical testing. Allele origin: germline.
Comment: The p.G230A variant (also known as c.689G>C), located in coding exon 3 of the PHOX2B gene, results from a G to C substitution at nucleotide position 689. The glycine at codon 230 is replaced by alanine, an amino acid with similar properties. This amino acid position is highly conserved in available vertebrate species. In addition, the in silico prediction for this alteration is inconclusive. Based on the available evidence, the clinical significance of this variant remains unclear.

Labcorp Genetics (formerly Invitae), Labcorp
Classification: Uncertain significance for Haddad syndrome. Last evaluated: 2021-10-23. Review status: criteria provided, single submitter. Criteria: Invitae Variant Classification Sherloc (09022015). Collection method: clinical testing. Allele origin: germline.
Comment: This sequence change replaces glycine with alanine at codon 230 of the PHOX2B protein (p.Gly230Ala). The glycine residue is moderately conserved and there is a small physicochemical difference between glycine and alanine. The frequency data for this variant in the population databases is considered unreliable, as metrics indicate insufficient coverage at this position in the ExAC database. This variant has not been reported in the literature in individuals affected with PHOX2B-related conditions. In summary, the available evidence is currently insufficient to determine the role of this variant in disease. Therefore, it has been classified as a Variant of Uncertain Significance.